The following is an entry in ClinVar:

ClinVar aggregate classification (germline): Conflicting classifications of pathogenicity. Review status: criteria provided, conflicting classifications (1 of 4 stars). 2 submissions from 2 submitters: Uncertain significance (1); Likely benign (1). Last evaluated 2024-03-05.

Conditions:
Inborn genetic diseases. Identifiers: MedGen C0950123, MeSH D030342.
Hereditary spastic paraplegia 30. Identifiers: Orphanet 101010, MedGen C5235139, MONDO:0012476.
Neuropathy, hereditary sensory, type 2C. Also called: Hereditary sensory and autonomic neuropathy type IIC; KIF1A-Related HSAN2 (HSAN2C). Identifiers: Orphanet 970, MedGen C3280168, MONDO:0013634, OMIM 614213.
Intellectual disability, autosomal dominant 9 (NESCAVS). Also called: NESCAV SYNDROME; KIF1A-Related Neurodevelopmental Disorder. Identifiers: Orphanet 662367, MedGen C5393830, MONDO:0013656, OMIM 614255.

Allele frequency attached by ClinVar (database versions not stated): TOPMed 0.00001; gnomAD exomes 0.00002; ExAC 0.00007.
gnomAD v4.1: 23 of 1,596,176 alleles (0.0014%); highest among the groups gnomAD compares: Middle Eastern, 0.017%; no homozygotes.

Submissions (2):

Labcorp Genetics (formerly Invitae), Labcorp
Classification: Likely benign for Hereditary spastic paraplegia 30; Neuropathy, hereditary sensory, type 2C; Intellectual disability, autosomal dominant 9. Last evaluated: 2024-03-05. Review status: criteria provided, single submitter. Criteria: Invitae Variant Classification Sherloc (09022015). Collection method: clinical testing. Allele origin: germline.

Ambry Genetics
Classification: Uncertain significance for Inborn genetic diseases. Last evaluated: 2019-11-02. Review status: criteria provided, single submitter. Criteria: Ambry Variant Classification Scheme 2023. Collection method: clinical testing. Allele origin: germline.
Comment: The p.E697K variant (also known as c.2089G>A), located in coding exon 22 of the KIF1A gene, results from a G to A substitution at nucleotide position 2089. The glutamic acid at codon 697 is replaced by lysine, an amino acid with similar properties. This amino acid position is highly conserved in available vertebrate species. In addition, the in silico prediction for this alteration is inconclusive. Since supporting evidence is limited at this time, the clinical significance of this alteration remains unclear.

NM_001244008.2(KIF1A):c.2089G>A (p.Glu697Lys)

Gene: KIF1A (kinesin family member 1A; minus strand). Cytogenetic location: 2q37.3.
Variant type: single nucleotide variant.
Coding change: c.2089G>A on transcript NM_001244008.2 (MANE Select); coding-DNA position 2089, G replaced by A.
Protein change: p.Glu697Lys; replaces glutamic acid 697 with lysine.
Molecular consequence: missense variant.
Genome position (GRCh38, 1-based): chr2:240,762,746, C>T on the plus strand (G>A on the coding strand, the complement: KIF1A is on the minus strand). VCF-style: chr2-240762746-C-T. GRCh37 (hg19) VCF-style: chr2-241702163-C-T.
Other names: c.2089G>A, p.Glu697Lys (NM_001320705.2, NM_001330289.2, NM_001379638.1); c.2164G>A, p.Glu722Lys (NM_001330290.2, NM_001379631.1, NM_001379634.1 and 2 more transcripts); c.2062G>A, p.Glu688Lys (NM_001379632.1, NM_001379633.1, NM_001379636.1 and 11 more transcripts); c.2137G>A, p.Glu713Lys (NM_001379637.1, NM_001379648.1); short protein forms E688K, E697K, E713K, E722K.
Identifiers: ClinVar variation 1785687 (VCV001785687.7), dbSNP rs752556549, ClinGen allele CA2208203.
Genomic context (GRCh38, chr2:240,762,746, plus strand): 5'-GACGCAGCAGGTGCTGGCCCAGTGACCCCTCACCTTCATCCTCGGGCTCCTCCTCCTCCT[C>T]GTTCACCTCCGGGTAGTACCTGGAGTCCATCTGCTTCTGCAGAGCCTCCAGCTTGCTCTC-3'
Protein context (NP_001230937.1, residues 687-707): MDSRYYPEVN[Glu697Lys]EEEEPEDEVQ